The following is an entry in ClinVar:

ClinVar aggregate classification (germline): Uncertain significance. Review status: criteria provided, multiple submitters, no conflicts (2 of 4 stars). 2 submissions from 2 submitters: Uncertain significance (2). Last evaluated 2024-08-21.

Conditions:
Malignant hyperthermia, susceptibility to, 1 (MHS1). Also called: Anesthesia related hyperthermia; Malignant hyperpyrexia; Fulminating hyperpyrexia; Pharmacogenic myopathy; Malignant hyperthermia suceptibility 1; RYR1-Related Malignant Hyperthermia Susceptibility. Identifiers: Orphanet 423, MedGen C2930980, MONDO:0007783, OMIM 145600.

gnomAD v4.1: 1 of 1,614,036 alleles (0.000062%); highest among the groups gnomAD compares: Non-Finnish European, 0.000085%; no homozygotes.

Submissions (2):

GeneDx
Classification: Uncertain significance. Last evaluated: 2024-08-21. Review status: criteria provided, single submitter. Criteria: GeneDx Variant Classification Process June 2021. Collection method: clinical testing. Allele origin: germline. Affected: yes.
Comment: Not observed at significant frequency in large population cohorts (gnomAD); In silico analysis indicates that this missense variant does not alter protein structure/function; Has not been previously published as pathogenic or benign to our knowledge; This variant is associated with the following publications: (PMID: 20681998, 33767344)

All of Us Research Program, National Institutes of Health
Classification: Uncertain significance for Malignant hyperthermia, susceptibility to, 1. Last evaluated: 2024-05-30. Review status: criteria provided, single submitter. Criteria: ACMG Guidelines, 2015. Collection method: clinical testing. Allele origin: germline. Inheritance: Autosomal dominant inheritance. Observed: 1 variant allele, 1 heterozygote.
Comment: This missense variant replaces glutamic acid with aspartic acid at codon 4677 of the RYR1 protein. Computational prediction is inconclusive regarding the impact of this variant on protein structure and function (internally defined REVEL score threshold 0.5 < inconclusive < 0.7, PMID: 27666373). To our knowledge, functional studies have not been reported for this variant. This variant has not been reported in individuals affected with RYR1-related disorders in the literature. This variant has not been identified in the general population by the Genome Aggregation Database (gnomAD). The available evidence is insufficient to determine the role of this variant in disease conclusively. Therefore, this variant is classified as a Variant of Uncertain Significance.

This study involves interpretation of variants in research participants for the purpose of population health screening. Participant phenotype was not available at the time of variant classification. Additional details can be found in publication PMID: 35346344, PMCID: PMC8962531

NM_000540.3(RYR1):c.14031G>T (p.Glu4677Asp)

Gene: RYR1 (ryanodine receptor 1; plus strand). Cytogenetic location: 19q13.2.
Variant type: single nucleotide variant.
Coding change: c.14031G>T on transcript NM_000540.3 (MANE Select); coding-DNA position 14031, G replaced by T.
Protein change: p.Glu4677Asp; replaces glutamic acid 4677 with aspartic acid.
Molecular consequence: missense variant.
Genome position (GRCh38, 1-based): chr19:38,573,209, G>T. VCF-style: chr19-38573209-G-T. GRCh37 (hg19) VCF-style: chr19-39063849-G-T.
Other names: c.14016G>T, p.Glu4672Asp (NM_001042723.2); short protein forms E4672D, E4677D.
Identifiers: ClinVar variation 3385614 (VCV003385614.2).